The following is an entry in ClinVar:

ClinVar aggregate classification (germline): Uncertain significance (1 of 4 stars; one submission).

Submission:

Labcorp Genetics (formerly Invitae), Labcorp
Classification: Uncertain significance. Last evaluated: 2025-06-20. Review status: criteria provided, single submitter. Criteria: Invitae Variant Classification Sherloc (09022015). Collection method: clinical testing. Allele origin: germline.
Comment: This sequence change replaces proline, which is neutral and non-polar, with alanine, which is neutral and non-polar, at codon 1711 of the RTTN protein (p.Pro1711Ala). This variant is not present in population databases (gnomAD no frequency). This variant has not been reported in the literature in individuals affected with RTTN-related conditions. ClinVar contains an entry for this variant (Variation ID: 1389115). Invitae Evidence Modeling of protein sequence and biophysical properties (such as structural, functional, and spatial information, amino acid conservation, physicochemical variation, residue mobility, and thermodynamic stability) indicates that this missense variant is not expected to disrupt RTTN protein function with a negative predictive value of 80%. In summary, the available evidence is currently insufficient to determine the role of this variant in disease. Therefore, it has been classified as a Variant of Uncertain Significance.

NM_173630.4(RTTN):c.5131C>G (p.Pro1711Ala)

Gene: RTTN (rotatin; minus strand). Cytogenetic location: 18q22.2.
Variant type: single nucleotide variant.
Coding change: c.5131C>G on transcript NM_173630.4 (MANE Select); coding-DNA position 5131, C replaced by G.
Protein change: p.Pro1711Ala; replaces proline 1711 with alanine.
Molecular consequence: missense variant.
Genome position (GRCh38, 1-based): chr18:70,054,185, G>C on the plus strand (C>G on the coding strand, the complement: RTTN is on the minus strand). VCF-style: chr18-70054185-G-C. GRCh37 (hg19) VCF-style: chr18-67721421-G-C.
Other names: c.2395C>G, p.Pro799Ala (NM_001318520.2); short protein forms P1711A, P799A.
Identifiers: ClinVar variation 1389115 (VCV001389115.8), dbSNP rs2144837288, ClinGen allele CA402692523.